The following is an entry in ClinVar:

NM_003242.6(TGFBR2):c.455-9C>T

Gene: TGFBR2 (transforming growth factor beta receptor 2; plus strand). Cytogenetic location: 3p24.1.
Variant type: single nucleotide variant.
Coding change: c.455-9C>T on transcript NM_003242.6 (MANE Select); 9 bases into the intron before coding-DNA position 455, C replaced by T.
Molecular consequence: intron variant.
Genome position (GRCh38, 1-based): chr3:30,671,629, C>T. VCF-style: chr3-30671629-C-T. GRCh37 (hg19) VCF-style: chr3-30713121-C-T.
Other names: c.458-9C>T (NM_001407129.1); c.350-9C>T (NM_001407132.1, NM_001407136.1, NM_001407133.1 and 2 more transcripts); c.638-9C>T (NM_001407126.1); c.530-9C>T (NM_001024847.3); c.530-16758C>T (NM_001407139.1); c.170-9C>T (NM_001407137.1); c.563-9C>T (NM_001407127.1); c.455-9C>T (NM_001407130.1); and 2 more.
Identifiers: ClinVar variation 1545029 (VCV001545029.10), dbSNP rs1699338104, ClinGen allele CA1354872928.

ClinVar aggregate classification (germline): Likely benign. Review status: criteria provided, multiple submitters, no conflicts (2 of 4 stars). 3 submissions from 3 submitters: Likely benign (3). Last evaluated 2024-02-12.

Conditions:
Familial thoracic aortic aneurysm and aortic dissection (TAAD). Also called: Thoracic aortic aneurysms and dissections. Identifiers: Orphanet 91387, MedGen C4707243, MONDO:0019625.
Loeys-Dietz syndrome 2 (LDS2). Also called: AORTIC ANEURYSM, FAMILIAL THORACIC 3; MARFAN SYNDROME, TYPE II; Marfan syndrome, type 2 (formerly); Marfan Syndrome type 2; Marfan like connective tissue disorder; MFS 2. Identifiers: Orphanet 284973, Orphanet 558, MedGen C2674574, MONDO:0012427, OMIM 610168.

Allele frequency attached by ClinVar (database versions not stated): TOPMed below 0.00001.

Submissions (3):

Labcorp Genetics (formerly Invitae), Labcorp
Classification: Likely benign for Familial thoracic aortic aneurysm and aortic dissection. Last evaluated: 2024-02-12. Review status: criteria provided, single submitter. Criteria: Invitae Variant Classification Sherloc (09022015). Collection method: clinical testing. Allele origin: germline.

All of Us Research Program, National Institutes of Health
Classification: Likely benign for Loeys-Dietz syndrome 2. Last evaluated: 2023-08-23. Review status: criteria provided, single submitter. Criteria: ACMG Guidelines, 2015. Collection method: clinical testing. Allele origin: germline. Inheritance: Autosomal dominant inheritance. Observed: 1 variant allele, 1 heterozygote.
Comment: This study involves interpretation of variants in research participants for the purpose of population health screening. Participant phenotype was not available at the time of variant classification. Additional details can be found in publication PMID: 35346344, PMCID: PMC8962531

Color Diagnostics, LLC DBA Color Health
Classification: Likely benign for Familial thoracic aortic aneurysm and aortic dissection. Last evaluated: 2023-08-11. Review status: criteria provided, single submitter. Criteria: ACMG Guidelines, 2015. Collection method: clinical testing. Allele origin: germline.